The following is an entry in ClinVar:

ClinVar aggregate classification (germline): Uncertain significance. Review status: criteria provided, multiple submitters, no conflicts (2 of 4 stars). 2 submissions from 2 submitters: Uncertain significance (2). Last evaluated 2021-12-11.

Conditions:
Hereditary cancer-predisposing syndrome. Also called: Tumor predisposition; Hereditary Cancer Syndrome; Hereditary neoplastic syndrome; Neoplastic Syndromes, Hereditary. Identifiers: Orphanet 140162, MedGen C0027672, MeSH D009386, MONDO:0015356.
POLD1-related polyposis and colorectal cancer syndrome (CRCS10). Also called: Colorectal cancer, susceptibility to, 10; Colorectal cancer 10; COLORECTAL CANCER, SUSCEPTIBILITY TO, ON CHROMOSOME 19q. Identifiers: Orphanet 220460, MedGen C2675481, MONDO:0012953, OMIM 612591.

Submissions (2):

Ambry Genetics
Classification: Uncertain significance for Hereditary cancer-predisposing syndrome. Last evaluated: 2021-12-11. Review status: criteria provided, single submitter. Criteria: Ambry Variant Classification Scheme 2023. Collection method: clinical testing. Allele origin: germline.
Comment: The p.V922G variant (also known as c.2765T>G), located in coding exon 21 of the POLD1 gene, results from a T to G substitution at nucleotide position 2765. The valine at codon 922 is replaced by glycine, an amino acid with dissimilar properties. This amino acid position is conserved. In addition, this alteration is predicted to be deleterious by in silico analysis. Since supporting evidence is limited at this time, the clinical significance of this alteration remains unclear.

Labcorp Genetics (formerly Invitae), Labcorp
Classification: Uncertain significance for POLD1-related polyposis and colorectal cancer syndrome. Last evaluated: 2021-10-25. Review status: criteria provided, single submitter. Criteria: Invitae Variant Classification Sherloc (09022015). Collection method: clinical testing. Allele origin: germline.
Comment: In summary, the available evidence is currently insufficient to determine the role of this variant in disease. Therefore, it has been classified as a Variant of Uncertain Significance. Algorithms developed to predict the effect of missense changes on protein structure and function are either unavailable or do not agree on the potential impact of this missense change (SIFT: "Deleterious"; PolyPhen-2: "Probably Damaging"; Align-GVGD: "Class C0"). This variant has not been reported in the literature in individuals affected with POLD1-related conditions. This variant is not present in population databases (ExAC no frequency). This sequence change replaces valine with glycine at codon 922 of the POLD1 protein (p.Val922Gly). The valine residue is highly conserved and there is a moderate physicochemical difference between valine and glycine.

NM_002691.4(POLD1):c.2765T>G (p.Val922Gly)

Gene: POLD1 (DNA polymerase delta 1, catalytic subunit; plus strand). Cytogenetic location: 19q13.33.
Variant type: single nucleotide variant.
Coding change: c.2765T>G on transcript NM_002691.4 (MANE Select); coding-DNA position 2765, T replaced by G.
Protein change: p.Val922Gly; replaces valine 922 with glycine.
Molecular consequence: missense variant.
Genome position (GRCh38, 1-based): chr19:50,415,771, T>G. VCF-style: chr19-50415771-T-G. GRCh37 (hg19) VCF-style: chr19-50919028-T-G.
Other names: c.2765T>G, p.Val922Gly (NM_001256849.1); c.2843T>G, p.Val948Gly (NM_001308632.1); short protein forms V922G, V948G.
Identifiers: ClinVar variation 1389439 (VCV001389439.8), dbSNP rs2122481351, ClinGen allele CA406985958.
Genomic context (GRCh38, chr19:50,415,771, plus strand): 5'-CATCTCCACGCAGGATGAGGAAGCGGGACCCCGGGAGTGCGCCCAGCCTGGGCGACCGCG[T>G]CCCCTACGTGATCATCAGTGCCGCCAAGGGTGTGGCCGCCTACATGAAGTCGGAGGTCAG-3'
Protein context (NP_002682.2, residues 912-932): PGSAPSLGDR[Val922Gly]PYVIISAAKG